The following is an entry in ClinVar:

NM_001401501.2(MUC16):c.7454G>A (p.Gly2485Asp)

Gene: MUC16 (mucin 16, cell surface associated; minus strand). Cytogenetic location: 19p13.2.
Variant type: single nucleotide variant.
Coding change: c.7454G>A on transcript NM_001401501.2 (MANE Select); coding-DNA position 7454, G replaced by A.
Protein change: p.Gly2485Asp; replaces glycine 2485 with aspartic acid.
Molecular consequence: missense variant.
Genome position (GRCh38, 1-based): chr19:8,973,805, C>T on the plus strand (G>A on the coding strand, the complement: MUC16 is on the minus strand). VCF-style: chr19-8973805-C-T. GRCh37 (hg19) VCF-style: chr19-9084481-C-T.
Other names: c.7880G>A, p.Gly2627Asp (NM_001414686.1); c.7334G>A, p.Gly2445Asp (NM_001414687.1, NM_024690.2); short protein forms G2445D, G2485D, G2627D.
Identifiers: ClinVar variation 781413 (VCV000781413.6), dbSNP rs28641623, ClinGen allele CA9172213.

ClinVar aggregate classification (germline): Benign. Review status: criteria provided, multiple submitters, no conflicts (2 of 4 stars). 3 submissions from 3 submitters: Benign (2). 1 of the submissions does not count toward it. Last evaluated 2018-08-14.

Conditions:
MUC16-related disorder. Also called: MUC16-related condition.

Allele frequency attached by ClinVar (database versions not stated): 1000 Genomes Project 0.02256; TOPMed 0.02468; ESP Exome Variant Server 0.02332; ExAC 0.00693; gnomAD 0.02174 and 0.02325; 1000 Genomes Project 30x 0.02436.

Submissions (3):

Labcorp Genetics (formerly Invitae), Labcorp
Classification: Benign. Last evaluated: 2018-08-14. Review status: criteria provided, single submitter. Criteria: Invitae Variant Classification Sherloc (09022015). Collection method: clinical testing. Allele origin: germline.

Breakthrough Genomics
Classification: Benign. Review status: criteria provided, single submitter. Criteria: ACMG Guidelines, 2015. Collection method: not provided. Allele origin: germline. Inheritance: Unknown mechanism. Affected: yes.

PreventionGenetics, part of Exact Sciences
Classification: Benign for MUC16-related condition. Last evaluated: 2019-10-01. Review status: no assertion criteria provided. Collection method: clinical testing. Allele origin: germline. Not counted in ClinVar's aggregate classification.
Comment: This variant is classified as benign based on ACMG/AMP sequence variant interpretation guidelines (Richards et al. 2015 PMID: 25741868, with internal and published modifications).